The following is an entry in ClinVar:

ClinVar aggregate classification (germline): Uncertain significance (1 of 4 stars; one submission).

gnomAD v4.1: 3 of 1,613,390 alleles (0.00019%); highest among the groups gnomAD compares: Non-Finnish European, 0.00025%; no homozygotes.

Submission:

Mayo Clinic Laboratories, Mayo Clinic
Classification: Uncertain significance. Last evaluated: 2025-11-21. Review status: criteria provided, single submitter. Criteria: ACMG Guidelines, 2015. Collection method: clinical testing. Allele origin: germline. Observed: 1 variant allele.
Comment: PM2_supporting

NM_014244.5(ADAMTS2):c.2086-7C>G

Gene: ADAMTS2 (ADAM metallopeptidase with thrombospondin type 1 motif 2; minus strand). Cytogenetic location: 5q35.3.
Variant type: single nucleotide variant.
Coding change: c.2086-7C>G on transcript NM_014244.5 (MANE Select); 7 bases into the intron before coding-DNA position 2086, C replaced by G.
Molecular consequence: intron variant.
Genome position (GRCh38, 1-based): chr5:179,132,907, G>C on the plus strand (C>G on the coding strand, the complement: ADAMTS2 is on the minus strand). VCF-style: chr5-179132907-G-C. GRCh37 (hg19) VCF-style: chr5-178559908-G-C.
Other names: p.?.
Identifiers: ClinVar variation 4541096 (VCV004541096.1).